The following is an entry in ClinVar:

Single allele

Genes: IGH (immunoglobulin heavy locus; minus strand), IGHD3-3 (immunoglobulin heavy diversity 3-3; minus strand), IGHV3-23 (immunoglobulin heavy variable 3-23; minus strand). Cytogenetic location: 14q32.33.
Variant type: Duplication.
Identifiers: ClinVar variation 157326 (VCV000157326.2).

ClinVar aggregate classification (germline): not provided (0 of 4 stars; one submission).

Conditions:
Normal pregnancy. Identifiers: MedGen C0232989.

Submission:

Institute of Molecular and Cell Biology, University of Tartu
No classification provided. Condition: Normal pregnancy. Review status: no classification provided. Collection method: case-control. Allele origin: unknown. Affected: yes. Study: Kasak2014.
Comment: The study aimed to determine the contribution of copy number variants in the genetic etiology of normal and complicated pregnancies. The samples represented (i) maternal blood DNA drawn from healthy pregnant women during 1st or 2nd trimester and (ii) maternal and paternal blood DNA drawn at term pregnancy cases representing normal and complicated gestations (severe preeclampsia, PE; gestational diabetes, GD; small-for-gestational age newborn, SGA; large-for-gestational age newborn, LGA). We performed CNV calling based on genome-wide genotyping dataset (Illumina HumanOmniExpress-24-v1 BeadChip) by applying three algorithms, QuantiSNP, GADA (Genome Alteration Detection Algorithm) and CNstream in parallel. The acquired CNV calls were merged with HD-CNV (Hotspot Detector for Copy Number Variants) program and only the CNVs predicted by at least two programs, were considered in subsequent analysis.

Literature cited by the submitters: PubMed 25666259.